The following is an entry in ClinVar:

ClinVar aggregate classification (germline): Likely pathogenic. Review status: criteria provided, single submitter (1 of 4 stars). 2 submissions from 2 submitters: Likely pathogenic (1). 1 of the submissions does not count toward it. Last evaluated 2022-09-19.

Conditions:
Spermatogenic failure 17 (SPGF17). Also called: MALE INFERTILITY DUE TO OOCYTE ACTIVATION FAILURE. Identifiers: MedGen C4310666, MONDO:0014970, OMIM 617214.
PLCZ1-related disorder. Also called: PLCZ1-related condition.

gnomAD v4.1: 3 of 1,607,294 alleles (0.00019%); highest among the groups gnomAD compares: Admixed American, 0.0033%; no homozygotes.

Submissions (2):

PreventionGenetics, part of Exact Sciences
Classification: Likely pathogenic for PLCZ1-related condition. Last evaluated: 2022-09-19. Review status: criteria provided, single submitter. Criteria: ACMG Guidelines, 2015. Collection method: clinical testing. Allele origin: germline.
Comment: The PLCZ1 c.1465A>T variant is predicted to result in the amino acid substitution p.Ile489Phe. This variant was reported in the homozygous state in patients with male infertility with functional studies showing this variant is deleterious, leading to the absence of the protein in sperm (Escoffier et al 2016. PubMed ID: 26721930). This variant is reported in 0.0029% of alleles in individuals of Latino descent in gnomAD. This variant is interpreted as likely pathogenic.

OMIM
Classification: Pathogenic for SPERMATOGENIC FAILURE 17. Last evaluated: 2020-09-18. Review status: no assertion criteria provided. Collection method: literature only. Allele origin: germline. Not counted in ClinVar's aggregate classification.

Literature cited by the submitters: PubMed 26721930 (cited by OMIM).

NM_033123.4(PLCZ1):c.1465A>T (p.Ile489Phe)

Genes: PIK3C2G (phosphatidylinositol-4-phosphate 3-kinase catalytic subunit type 2 gamma; plus strand), PLCZ1 (phospholipase C zeta 1; minus strand). Cytogenetic location: 12p12.3.
Variant type: single nucleotide variant.
Coding change: c.1465A>T on transcript NM_033123.4 (MANE Select); coding-DNA position 1465, A replaced by T.
Protein change: p.Ile489Phe; replaces isoleucine 489 with phenylalanine.
Molecular consequence: missense variant.
Genome position (GRCh38, 1-based): chr12:18,688,215, T>A on the plus strand (A>T on the coding strand, the complement: PLCZ1 is on the minus strand). VCF-style: chr12-18688215-T-A. GRCh37 (hg19) VCF-style: chr12-18841149-T-A.
Other names: c.886A>T, p.Ile296Phe (NM_001330769.1); c.1153A>T, p.Ile385Phe (NM_001330774.2); short protein forms I489F, I296F, I385F.
Identifiers: ClinVar variation 271283 (VCV000271283.4), dbSNP rs757326350, ClinGen allele CA6471146.
Genomic context (GRCh38, chr12:18,688,215, plus strand): 5'-TTACTAATGAATCACCTTTGTTAGATGATGAATGAGTAAGAGGCAACTGGATACCACTGA[T>A]GAGCTGCACAAATATATATGAATATAAGAATTTAGCAAGATATTAAGTTACATCACCATT-3'
Protein context (NP_149114.2, residues 479-499): GMPITLTIRL[Ile489Phe]SGIQLPLTHS